The following is an entry in ClinVar:

ClinVar aggregate classification (germline): Uncertain significance. Review status: criteria provided, multiple submitters, no conflicts (2 of 4 stars). 3 submissions from 3 submitters: Uncertain significance (3). Last evaluated 2025-12-28.

gnomAD v4.1: 16 of 1,555,184 alleles (0.001%); highest among the groups gnomAD compares: Admixed American, 0.03%; no homozygotes.

Submissions (3):

Labcorp Genetics (formerly Invitae), Labcorp
Classification: Uncertain significance. Last evaluated: 2025-12-28. Review status: criteria provided, single submitter. Criteria: Invitae Variant Classification Sherloc (09022015). Collection method: clinical testing. Allele origin: germline.
Comment: This sequence change replaces glycine, which is neutral and non-polar, with alanine, which is neutral and non-polar, at codon 602 of the FAM65B protein (p.Gly602Ala). This variant is present in population databases (rs770592883, gnomAD 0.04%). This variant has not been reported in the literature in individuals affected with FAM65B-related conditions. ClinVar contains an entry for this variant (Variation ID: 3789321). An algorithm developed to predict the effect of missense changes on protein structure and function (PolyPhen-2) suggests that this variant is likely to be disruptive. In summary, the available evidence is currently insufficient to determine the role of this variant in disease. Therefore, it has been classified as a Variant of Uncertain Significance.

Ambry Genetics
Classification: Uncertain significance. Last evaluated: 2025-02-25. Review status: criteria provided, single submitter. Criteria: Ambry Variant Classification Scheme 2023. Collection method: clinical testing. Allele origin: germline.

Blueprint Genetics
Classification: Uncertain significance. Last evaluated: 2019-04-16. Review status: criteria provided, single submitter. Criteria: ACMG Guidelines, 2015. Collection method: clinical testing. Allele origin: germline.

NM_001286445.3(RIPOR2):c.1742G>C (p.Gly581Ala)

Gene: RIPOR2 (RHO family interacting cell polarization regulator 2; minus strand). Cytogenetic location: 6p22.3.
Variant type: single nucleotide variant.
Coding change: c.1742G>C on transcript NM_001286445.3 (MANE Select); coding-DNA position 1742, G replaced by C.
Protein change: p.Gly581Ala; replaces glycine 581 with alanine.
Molecular consequence: missense variant.
Genome position (GRCh38, 1-based): chr6:24,842,977, C>G on the plus strand (G>C on the coding strand, the complement: RIPOR2 is on the minus strand). VCF-style: chr6-24842977-C-G. GRCh37 (hg19) VCF-style: chr6-24843205-C-G.
Other names: c.1757G>C, p.Gly586Ala (NM_001286446.3); c.1655G>C, p.Gly552Ala (NM_001286447.2, NM_001346031.2, NM_001346032.2 and 1 more transcripts); c.1805G>C, p.Gly602Ala (NM_014722.5); short protein forms G581A, G602A, G552A, G586A.
Identifiers: ClinVar variation 3789321 (VCV003789321.3).
Genomic context (GRCh38, chr6:24,842,977, plus strand): 5'-TACTGCTCTTTATGTGGTTCTAATGCAAGTAAAAGCCCATTAAAAGCATCCTCTAAGCTT[C>G]CATCTAGAAAGGATCTGCAGCCTTCAGATTCTCCACCAACAGAACCCTCAGAGAGCAGCC-3'
Protein context (NP_001273374.1, residues 571-591): ESEGCRSFLD[Gly581Ala]SLEDAFNGLL